The following is an entry in ClinVar:

NM_003482.4(KMT2D):c.6434C>T (p.Pro2145Leu)

Gene: KMT2D (lysine methyltransferase 2D; minus strand). Cytogenetic location: 12q13.12.
Variant type: single nucleotide variant.
Coding change: c.6434C>T on transcript NM_003482.4 (MANE Select); coding-DNA position 6434, C replaced by T.
Protein change: p.Pro2145Leu; replaces proline 2145 with leucine.
Molecular consequence: missense variant.
Genome position (GRCh38, 1-based): chr12:49,041,336, G>A on the plus strand (C>T on the coding strand, the complement: KMT2D is on the minus strand). VCF-style: chr12-49041336-G-A. GRCh37 (hg19) VCF-style: chr12-49435119-G-A.
Other names: c.6434C>T (NM_003482.3); short protein forms P2145L.
Identifiers: ClinVar variation 593000 (VCV000593000.31), dbSNP rs574231443, ClinGen allele CA6547269.

ClinVar aggregate classification (germline): Conflicting classifications of pathogenicity. Review status: criteria provided, conflicting classifications (1 of 4 stars). 4 submissions from 4 submitters: Uncertain significance (1); Benign (1); Likely benign (1). 1 of the submissions does not count toward it. Last evaluated 2025-06-08.

Conditions:
KMT2D-related disorder. Also called: KMT2D-Related Disorders.
Kabuki syndrome. Also called: NIIKAWA-KUROKI SYNDROME; Kabuki make-up syndrome. Identifiers: Orphanet 2322, MedGen C0796004, MONDO:0016512.

Allele frequency attached by ClinVar (database versions not stated): gnomAD 0.00001 and 0.00005; TOPMed 0.00003; gnomAD exomes 0.00008 and 0.00018; 1000 Genomes Project 30x 0.00016; 1000 Genomes Project 0.00020; ExAC 0.00027.
gnomAD v4.1: 120 of 1,546,398 alleles (0.0078%); highest among the groups gnomAD compares: South Asian, 0.12%; 3 homozygotes.

Submissions (4):

Labcorp Genetics (formerly Invitae), Labcorp
Classification: Benign for Kabuki syndrome. Last evaluated: 2025-06-08. Review status: criteria provided, single submitter. Criteria: Invitae Variant Classification Sherloc (09022015). Collection method: clinical testing. Allele origin: germline.

CeGaT Center for Human Genetics Tuebingen
Classification: Likely benign. Last evaluated: 2024-03-01. Review status: criteria provided, single submitter. Criteria: CeGaT Center For Human Genetics Tuebingen Variant Classification Criteria Version 2. Collection method: clinical testing. Allele origin: germline. Affected: yes. Observed: 1 variant allele.
Comment: KMT2D: BS1

Eurofins Ntd Llc (ga)
Classification: Uncertain significance. Last evaluated: 2017-07-10. Review status: criteria provided, single submitter. Criteria: EGL Classification Definitions 2015. Collection method: clinical testing. Allele origin: germline. Observed: 2 variant alleles, 2 heterozygotes.

PreventionGenetics, part of Exact Sciences
Classification: Likely benign for KMT2D-related condition. Last evaluated: 2023-07-10. Review status: no assertion criteria provided. Collection method: clinical testing. Allele origin: germline. Not counted in ClinVar's aggregate classification.
Comment: This variant is classified as likely benign based on ACMG/AMP sequence variant interpretation guidelines (Richards et al. 2015 PMID: 25741868, with internal and published modifications).